The following is an entry in ClinVar:

ClinVar aggregate classification (germline): Uncertain significance. Review status: criteria provided, multiple submitters, no conflicts (2 of 4 stars). 2 submissions from 2 submitters: Uncertain significance (2). Last evaluated 2025-08-11.

Conditions:
Developmental and epileptic encephalopathy, 36 (DEE36). Also called: ALG13-CDG; Congenital disorder of glycosylation, type Is; Epileptic encephalopathy, early infantile, 36. Identifiers: Orphanet 324422, MedGen C4317295, MONDO:0010472, OMIM 300884.

Allele frequency attached by ClinVar (database versions not stated): gnomAD 0.00005.
gnomAD v4.1: 13 of 1,194,757 alleles (0.0011%); highest among the groups gnomAD compares: Non-Finnish European, 0.0014%; no homozygotes.

Submissions (2):

Labcorp Genetics (formerly Invitae), Labcorp
Classification: Uncertain significance for Developmental and epileptic encephalopathy, 36. Last evaluated: 2025-08-11. Review status: criteria provided, single submitter. Criteria: Invitae Variant Classification Sherloc (09022015). Collection method: clinical testing. Allele origin: germline.
Comment: This sequence change replaces arginine, which is basic and polar, with glycine, which is neutral and non-polar, at codon 318 of the ALG13 protein (p.Arg318Gly). The frequency data for this variant in the population databases is considered unreliable, as metrics indicate poor data quality at this position in the gnomAD database. This variant has not been reported in the literature in individuals affected with ALG13-related conditions. ClinVar contains an entry for this variant (Variation ID: 644727). Invitae Evidence Modeling of protein sequence and biophysical properties (such as structural, functional, and spatial information, amino acid conservation, physicochemical variation, residue mobility, and thermodynamic stability) has been performed for this missense variant. However, the output from this modeling did not meet the statistical confidence thresholds required to predict the impact of this variant on ALG13 protein function. In summary, the available evidence is currently insufficient to determine the role of this variant in disease. Therefore, it has been classified as a Variant of Uncertain Significance.

GeneDx
Classification: Uncertain significance. Last evaluated: 2023-02-21. Review status: criteria provided, single submitter. Criteria: GeneDx Variant Classification Process June 2021. Collection method: clinical testing. Allele origin: germline. Affected: yes.
Comment: Has not been previously published as pathogenic or benign to our knowledge; In silico analysis supports that this missense variant has a deleterious effect on protein structure/function

NM_001099922.3(ALG13):c.952C>G (p.Arg318Gly)

Gene: ALG13 (ALG13 UDP-N-acetylglucosaminyltransferase subunit; plus strand). Cytogenetic location: Xq23.
Variant type: single nucleotide variant.
Coding change: c.952C>G on transcript NM_001099922.3 (MANE Select); coding-DNA position 952, C replaced by G.
Protein change: p.Arg318Gly; replaces arginine 318 with glycine.
Molecular consequence: missense variant. On other transcripts: non-coding transcript variant (1).
Genome position (GRCh38, 1-based): chrX:111,713,244, C>G. VCF-style: chrX-111713244-C-G. GRCh37 (hg19) VCF-style: chrX-110956472-C-G.
Other names: c.640C>G, p.Arg214Gly (NM_001257230.2, NM_001257234.2, NM_001257237.2 and 1 more transcripts); c.718C>G, p.Arg240Gly (NM_001257231.2); c.952C>G, p.Arg318Gly (NM_001324292.2); short protein forms R318G, R240G, R214G.
Identifiers: ClinVar variation 644727 (VCV000644727.10), dbSNP rs775191661, ClinGen allele CA10493627.